The following is an entry in ClinVar:

NM_013372.7(GREM1):c.466C>A (p.Leu156Ile)

Gene: GREM1 (gremlin 1, DAN family BMP antagonist; plus strand). Cytogenetic location: 15q13.3.
Variant type: single nucleotide variant.
Coding change: c.466C>A on transcript NM_013372.7 (MANE Select); coding-DNA position 466, C replaced by A.
Protein change: p.Leu156Ile; replaces leucine 156 with isoleucine.
Molecular consequence: missense variant.
Genome position (GRCh38, 1-based): chr15:32,731,156, C>A. VCF-style: chr15-32731156-C-A. GRCh37 (hg19) VCF-style: chr15-33023357-C-A.
Other names: c.256C>A, p.Leu86Ile (NM_001191322.2); c.343C>A, p.Leu115Ile (NM_001191323.2); c.466C>A, p.Leu156Ile (NM_001368719.1); short protein forms L115I, L156I, L86I.
Identifiers: ClinVar variation 3282653 (VCV003282653.1).

ClinVar aggregate classification (germline): Uncertain significance (1 of 4 stars; one submission).

Conditions:
Hereditary cancer-predisposing syndrome. Also called: Tumor predisposition; Hereditary Cancer Syndrome; Hereditary neoplastic syndrome; Neoplastic Syndromes, Hereditary. Identifiers: Orphanet 140162, MedGen C0027672, MeSH D009386, MONDO:0015356.

Submission:

Ambry Genetics
Classification: Uncertain significance for Hereditary cancer-predisposing syndrome. Last evaluated: 2024-04-05. Review status: criteria provided, single submitter. Criteria: Ambry Variant Classification Scheme 2023. Collection method: clinical testing. Allele origin: germline.
Comment: The p.L156I variant (also known as c.466C>A), located in coding exon 1 of the GREM1 gene, results from a C to A substitution at nucleotide position 466. The leucine at codon 156 is replaced by isoleucine, an amino acid with highly similar properties. This amino acid position is conserved. In addition, the in silico prediction for this alteration is inconclusive. Based on the available evidence, the clinical significance of this variant remains unclear.